The following is an entry in ClinVar:

ClinVar aggregate classification (germline): Uncertain significance (1 of 4 stars; one submission).

Allele frequency attached by ClinVar (database versions not stated): 1000 Genomes Project 30x 0.00016; 1000 Genomes Project 0.00020.

Submission:

Labcorp Genetics (formerly Invitae), Labcorp
Classification: Uncertain significance. Last evaluated: 2022-09-16. Review status: criteria provided, single submitter. Criteria: Invitae Variant Classification Sherloc (09022015). Collection method: clinical testing. Allele origin: germline.
Comment: Algorithms developed to predict the effect of missense changes on protein structure and function are either unavailable or do not agree on the potential impact of this missense change (SIFT: "Deleterious"; PolyPhen-2: "Benign"; Align-GVGD: "Class C65"). In summary, the available evidence is currently insufficient to determine the role of this variant in disease. Therefore, it has been classified as a Variant of Uncertain Significance. This variant has not been reported in the literature in individuals affected with SIAE-related conditions. This variant is present in population databases (rs552372846, gnomAD 0.007%). This sequence change replaces arginine, which is basic and polar, with leucine, which is neutral and non-polar, at codon 393 of the SIAE protein (p.Arg393Leu).

NM_170601.5(SIAE):c.1178G>T (p.Arg393Leu)

Gene: SIAE (sialic acid acetylesterase; minus strand). Cytogenetic location: 11q24.2.
Variant type: single nucleotide variant.
Coding change: c.1178G>T on transcript NM_170601.5 (MANE Select); coding-DNA position 1178, G replaced by T.
Protein change: p.Arg393Leu; replaces arginine 393 with leucine.
Molecular consequence: missense variant.
Genome position (GRCh38, 1-based): chr11:124,638,684, C>A on the plus strand (G>T on the coding strand, the complement: SIAE is on the minus strand). VCF-style: chr11-124638684-C-A. GRCh37 (hg19) VCF-style: chr11-124508580-C-A.
Other names: c.1073G>T, p.Arg358Leu (NM_001199922.2); short protein forms R358L, R393L.
Identifiers: ClinVar variation 2101773 (VCV002101773.4), dbSNP rs552372846, ClinGen allele CA6341261.
Genomic context (GRCh38, chr11:124,638,684, plus strand): 5'-TCTATCTTCTCAGGCAGTGGTCCTTCAAAGGTCAAATTCTTCTCACCATAAGCCAGAGCA[C>A]GGGCCCCCAAATGCAGCCGATAAGCCACAGTCTGTTTATCTCGAGGGTGGATGCTACAGG-3'
Protein context (NP_733746.1, residues 383-403): TVAYRLHLGA[Arg393Leu]ALAYGEKNLT